The following is an entry in ClinVar:

NM_000051.4(ATM):c.7539A>G (p.Thr2513=)

Genes: C11orf65 (chromosome 11 open reading frame 65; minus strand), ATM (ATM serine/threonine kinase; plus strand). Cytogenetic location: 11q22.3.
Variant type: single nucleotide variant.
Coding change: c.7539A>G on transcript NM_000051.4 (MANE Select); coding-DNA position 7539, A replaced by G.
Protein change: p.Thr2513=; no amino-acid change (threonine 2513 retained).
Molecular consequence: synonymous variant. On other transcripts: non-coding transcript variant (1), intron variant (2).
Genome position (GRCh38, 1-based): chr11:108,331,467, A>G. VCF-style: chr11-108331467-A-G. GRCh37 (hg19) VCF-style: chr11-108202194-A-G.
Other names: c.7539A>G, p.Thr2513= (NM_001351834.2); c.641-22396T>C (NM_001330368.2); c.*38+3753T>C (NM_001351110.2).
Identifiers: ClinVar variation 510752 (VCV000510752.13), dbSNP rs752294923, ClinGen allele CA6266136.

ClinVar aggregate classification (germline): Likely benign. Review status: criteria provided, multiple submitters, no conflicts (2 of 4 stars). 3 submissions from 3 submitters: Likely benign (3). Last evaluated 2024-03-27.

Conditions:
Hereditary cancer-predisposing syndrome. Also called: Hereditary Cancer Syndrome; Neoplastic Syndromes, Hereditary; Tumor predisposition; Hereditary neoplastic syndrome. Identifiers: Orphanet 140162, MedGen C0027672, MeSH D009386, MONDO:0015356.
Ataxia-telangiectasia syndrome (AT). Also called: Cerebello-oculocutaneous telangiectasia; Immunodeficiency with ataxia telangiectasia; Ataxia-telangiectasia, complementation group E; Ataxia-telangiectasia, complementation group D; AT, COMPLEMENTATION GROUP C; ATAXIA-TELANGIECTASIA, COMPLEMENTATION GROUP A. Identifiers: Orphanet 100, MedGen C0004135, MONDO:0008840, OMIM 208900.

Allele frequency attached by ClinVar (database versions not stated): gnomAD exomes 0.00001 and below 0.00001.
gnomAD v4.1: 3 of 1,613,514 alleles (0.00019%); highest among the groups gnomAD compares: Non-Finnish European, 0.00025%; no homozygotes.

Submissions (3):

Labcorp Genetics (formerly Invitae), Labcorp
Classification: Likely benign for Ataxia-telangiectasia syndrome. Last evaluated: 2024-03-27. Review status: criteria provided, single submitter. Criteria: Invitae Variant Classification Sherloc (09022015). Collection method: clinical testing. Allele origin: germline.

Ambry Genetics
Classification: Likely benign for Hereditary cancer-predisposing syndrome. Last evaluated: 2019-07-18. Review status: criteria provided, single submitter. Criteria: Ambry Variant Classification Scheme 2023. Collection method: clinical testing. Allele origin: germline.

GeneDx
Classification: Likely benign. Last evaluated: 2017-07-07. Review status: criteria provided, single submitter. Criteria: GeneDx Variant Classification (06012015). Collection method: clinical testing. Allele origin: germline. Affected: yes.
Comment: This variant is considered likely benign or benign based on one or more of the following criteria: it is a conservative change, it occurs at a poorly conserved position in the protein, it is predicted to be benign by multiple in silico algorithms, and/or has population frequency not consistent with disease.